The following is an entry in ClinVar:

NM_001144967.3(NEDD4L):c.1325G>T (p.Arg442Leu)

Gene: NEDD4L (NEDD4 like E3 ubiquitin protein ligase; plus strand). Cytogenetic location: 18q21.31.
Variant type: single nucleotide variant.
Coding change: c.1325G>T on transcript NM_001144967.3 (MANE Select); coding-DNA position 1325, G replaced by T.
Protein change: p.Arg442Leu; replaces arginine 442 with leucine.
Molecular consequence: missense variant.
Genome position (GRCh38, 1-based): chr18:58,341,745, G>T. VCF-style: chr18-58341745-G-T. GRCh37 (hg19) VCF-style: chr18-56008977-G-T.
Other names: c.962G>T, p.Arg321Leu (NM_001144964.1, NM_001144965.2, NM_001144966.3); c.1301G>T, p.Arg434Leu (NM_001144968.2); c.1241G>T, p.Arg414Leu (NM_001144969.2); c.902G>T, p.Arg301Leu (NM_001144970.3, NM_001144971.2); c.1133G>T, p.Arg378Leu (NM_001243960.2); c.1265G>T, p.Arg422Leu (NM_015277.6); short protein forms R414L, R422L, R301L, R321L, R378L, R434L, R442L.
Identifiers: ClinVar variation 2006771 (VCV002006771.4), dbSNP rs34792654, ClinGen allele CA402562726.

ClinVar aggregate classification (germline): Uncertain significance (1 of 4 stars; one submission).

gnomAD v4.1: 1 of 1,613,808 alleles (0.000062%); highest among the groups gnomAD compares: Non-Finnish European, 0.000085%; no homozygotes.

Submission:

Labcorp Genetics (formerly Invitae), Labcorp
Classification: Uncertain significance. Last evaluated: 2024-05-06. Review status: criteria provided, single submitter. Criteria: Invitae Variant Classification Sherloc (09022015). Collection method: clinical testing. Allele origin: germline.
Comment: This sequence change replaces arginine, which is basic and polar, with leucine, which is neutral and non-polar, at codon 422 of the NEDD4L protein (p.Arg422Leu). This variant is not present in population databases (gnomAD no frequency). This variant has not been reported in the literature in individuals affected with NEDD4L-related conditions. ClinVar contains an entry for this variant (Variation ID: 2006771). An algorithm developed to predict the effect of missense changes on protein structure and function (PolyPhen-2) suggests that this variant is likely to be tolerated. In summary, the available evidence is currently insufficient to determine the role of this variant in disease. Therefore, it has been classified as a Variant of Uncertain Significance.